The following is an entry in ClinVar:

ClinVar aggregate classification (germline): Pathogenic (1 of 4 stars; one submission).

Conditions:
Familial adenomatous polyposis 1 (FAP1). Also called: POLYPOSIS, ADENOMATOUS INTESTINAL; FAMILIAL ADENOMATOUS POLYPOSIS 1, ATTENUATED. Identifiers: MedGen C2713442, MONDO:0021056, OMIM 175100. Disease mechanism: loss of function.

Submission:

Myriad Genetics, Inc.
Classification: Pathogenic for Familial adenomatous polyposis 1. Last evaluated: 2023-05-01. Review status: criteria provided, single submitter. Criteria: Myriad Autosomal Dominant, Autosomal Recessive and X-Linked Classification Criteria (2023). Collection method: clinical testing. Allele origin: unknown.
Comment: This variant is considered pathogenic. This variant creates a frameshift predicted to result in premature protein truncation.

NM_000038.6(APC):c.1255dup (p.Thr419fs)

Gene: APC (APC regulator of Wnt signaling pathway; plus strand). Cytogenetic location: 5q22.2.
Variant type: Duplication.
Coding change: c.1255dup on transcript NM_000038.6 (MANE Select); coding-DNA position 1255, one base duplicated (A; older notation c.1255dupA).
Protein change: p.Thr419fs; shifts the reading frame from threonine 419.
Molecular consequence: frameshift variant. On other transcripts: non-coding transcript variant (2).
Genome position (GRCh38, 1-based): chr5:112,819,287, A duplicated; the last of 3 consecutive A bases (chr5:112,819,285-112,819,287); duplicating any one gives the same sequence. VCF-style (leftmost placement, unchanged base first): chr5-112819284-G-GA. GRCh37 (hg19) VCF-style: chr5-112154981-G-GA.
Other names: c.103dup, p.Thr35fs (NM_001407471.1, NM_001407472.1); c.1285dup, p.Thr429fs (NM_001407446.1, NM_001354897.2); c.1255dup, p.Thr419fs (NM_001407447.1, NM_001407448.1, NM_001407449.1 and 4 more transcripts); c.1180dup, p.Thr394fs (NM_001407451.1, NM_001354898.2); c.1171dup, p.Thr391fs (NM_001407452.1, NM_001354899.2); c.1078dup, p.Thr360fs (NM_001407453.1, NM_001354900.2, NM_001354901.2); c.952dup, p.Thr318fs (NM_001407454.1, NM_001407455.1, NM_001407456.1 and 5 more transcripts); c.868dup, p.Thr290fs (NM_001407467.1, NM_001407469.1); and 5 more; short protein forms T136fs, T259fs, T290fs, T293fs, T318fs, T328fs, T35fs, T360fs.
Identifiers: ClinVar variation 2583254 (VCV002583254.1), dbSNP rs2149783277, ClinGen allele CA2582341272.